The following is an entry in ClinVar:

ClinVar aggregate classification (germline): Uncertain significance. Review status: criteria provided, multiple submitters, no conflicts (2 of 4 stars). 4 submissions from 4 submitters: Uncertain significance (4). Last evaluated 2025-08-09.

Conditions:
Inborn genetic diseases. Identifiers: MedGen C0950123, MeSH D030342.
STING-associated vasculopathy with onset in infancy. Also called: Sting-associated vasculopathy, infantile-onset. Identifiers: Orphanet 425120, MedGen C4014722, MONDO:0014405, OMIM 615934.

Allele frequency attached by ClinVar (database versions not stated): gnomAD exomes below 0.00001; ExAC 0.00001; gnomAD 0.00004; TOPMed 0.00005.
gnomAD v4.1: 9 of 1,614,058 alleles (0.00056%); highest among the groups gnomAD compares: African/African-American, 0.0053%; no homozygotes.

Submissions (4):

Labcorp Genetics (formerly Invitae), Labcorp
Classification: Uncertain significance for STING-associated vasculopathy with onset in infancy. Last evaluated: 2025-08-09. Review status: criteria provided, single submitter. Criteria: Invitae Variant Classification Sherloc (09022015). Collection method: clinical testing. Allele origin: germline.
Comment: This sequence change replaces leucine, which is neutral and non-polar, with histidine, which is basic and polar, at codon 133 of the TMEM173 protein (p.Leu133His). This variant is present in population databases (rs756483516, gnomAD 0.004%). This variant has not been reported in the literature in individuals affected with TMEM173-related conditions. ClinVar contains an entry for this variant (Variation ID: 660314). Invitae Evidence Modeling of protein sequence and biophysical properties (such as structural, functional, and spatial information, amino acid conservation, physicochemical variation, residue mobility, and thermodynamic stability) indicates that this missense variant is expected to disrupt TMEM173 protein function with a positive predictive value of 80%. In summary, the available evidence is currently insufficient to determine the role of this variant in disease. Therefore, it has been classified as a Variant of Uncertain Significance.

Ambry Genetics
Classification: Uncertain significance for Inborn genetic diseases. Last evaluated: 2024-12-02. Review status: criteria provided, single submitter. Criteria: Ambry Variant Classification Scheme 2023. Collection method: clinical testing. Allele origin: germline.

Blueprint Genetics
Classification: Uncertain significance. Last evaluated: 2024-10-21. Review status: criteria provided, single submitter. Criteria: ACMG Guidelines, 2015. Collection method: clinical testing. Allele origin: germline.

GeneDx
Classification: Uncertain significance. Last evaluated: 2022-12-27. Review status: criteria provided, single submitter. Criteria: GeneDx Variant Classification Process June 2021. Collection method: clinical testing. Allele origin: germline. Affected: yes.
Comment: In silico analysis supports that this missense variant does not alter protein structure/function; Has not been previously published as pathogenic or benign to our knowledge

NM_198282.4(STING1):c.398T>A (p.Leu133His)

Genes: STING1 (stimulator of interferon response cGAMP interactor 1; minus strand), LOC123522803 (Sharpr-MPRA regulatory region 11914; plus strand). Cytogenetic location: 5q31.2.
Variant type: single nucleotide variant.
Coding change: c.398T>A on transcript NM_198282.4 (MANE Select); coding-DNA position 398, T replaced by A.
Protein change: p.Leu133His; replaces leucine 133 with histidine.
Molecular consequence: missense variant.
Genome position (GRCh38, 1-based): chr5:139,481,172, A>T on the plus strand (T>A on the coding strand, the complement: STING1 is on the minus strand). VCF-style: chr5-139481172-A-T. GRCh37 (hg19) VCF-style: chr5-138860757-A-T.
Other names: c.398T>A, p.Leu133His (LRG_1308t1, NM_001301738.2); c.398T>A (NM_198282.2); c.41T>A, p.Leu14His (NM_001367258.1); short protein forms L133H, L14H.
Identifiers: ClinVar variation 660314 (VCV000660314.11), dbSNP rs756483516, ClinGen allele CA3435428.
Genomic context (GRCh38, chr5:139,481,172, plus strand): 5'-CCACAGCCACCACTTGGCCAGAGCTTCTACCTCCCCCTGTGTCATACCTTGAGGCCCAGG[A>T]GGATGTTCAGTGCCTGCGAGAGGCCCAGGAGGGCAAGCATCCAAGTGAAGGGCGGGCCGA-3'
Protein context (NP_938023.1, residues 123-143): LLGLSQALNI[Leu133His]LGLKGLAPAE